The following is an entry in ClinVar:

NM_000038.6(APC):c.2497A>C (p.Ser833Arg)

Gene: APC (APC regulator of Wnt signaling pathway; plus strand). Cytogenetic location: 5q22.2.
Variant type: single nucleotide variant.
Coding change: c.2497A>C on transcript NM_000038.6 (MANE Select); coding-DNA position 2497, A replaced by C.
Protein change: p.Ser833Arg; replaces serine 833 with arginine.
Molecular consequence: missense variant.
Genome position (GRCh38, 1-based): chr5:112,838,091, A>C. VCF-style: chr5-112838091-A-C. GRCh37 (hg19) VCF-style: chr5-112173788-A-C.
Other names: c.2497A>C, p.Ser833Arg (NM_001127510.3, NM_001354895.2); c.2443A>C, p.Ser815Arg (NM_001127511.3); c.2551A>C, p.Ser851Arg (NM_001354896.2); c.2527A>C, p.Ser843Arg (NM_001354897.2); c.2422A>C, p.Ser808Arg (NM_001354898.2); c.2413A>C, p.Ser805Arg (NM_001354899.2); c.2374A>C, p.Ser792Arg (NM_001354900.2); c.2320A>C, p.Ser774Arg (NM_001354901.2); and 5 more; short protein forms S815R, S833R, S673R, S742R, S550R, S732R, S774R, S808R.
Identifiers: ClinVar variation 537489 (VCV000537489.20), dbSNP rs1331549900, ClinGen allele CA16026808.
Genomic context (GRCh38, chr5:112,838,091, plus strand): 5'-AATTTTAATACTGGCAACATGACTGTCCTTTCACCATATTTGAATACTACAGTGTTACCC[A>C]GCTCCTCTTCATCAAGAGGAAGCTTAGATAGTTCTCGTTCTGAAAAAGATAGAAGTTTGG-3'
Protein context (NP_000029.2, residues 823-843): SPYLNTTVLP[Ser833Arg]SSSSRGSLDS

ClinVar aggregate classification (germline): Uncertain significance. Review status: criteria provided, multiple submitters, no conflicts (2 of 4 stars). 5 submissions from 5 submitters: Uncertain significance (5). Last evaluated 2024-02-23.

Conditions:
Hereditary cancer-predisposing syndrome. Also called: Neoplastic Syndromes, Hereditary; Hereditary Cancer Syndrome; Tumor predisposition; Hereditary neoplastic syndrome. Identifiers: Orphanet 140162, MedGen C0027672, MeSH D009386, MONDO:0015356.
Familial adenomatous polyposis 1 (FAP1). Also called: FAMILIAL ADENOMATOUS POLYPOSIS 1, ATTENUATED; POLYPOSIS, ADENOMATOUS INTESTINAL. Identifiers: MedGen C2713442, MONDO:0021056, OMIM 175100. Disease mechanism: loss of function.

Allele frequency attached by ClinVar (database versions not stated): gnomAD 0.00001.
gnomAD v4.1: 14 of 1,614,082 alleles (0.00087%); highest among the groups gnomAD compares: African/African-American, 0.0013%; no homozygotes.

Submissions (5):

Ambry Genetics
Classification: Uncertain significance for Hereditary cancer-predisposing syndrome. Last evaluated: 2024-02-23. Review status: criteria provided, single submitter. Criteria: Ambry Variant Classification Scheme 2023. Collection method: clinical testing. Allele origin: germline.
Comment: The p.S833R variant (also known as c.2497A>C), located in coding exon 15 of the APC gene, results from an A to C substitution at nucleotide position 2497. The serine at codon 833 is replaced by arginine, an amino acid with dissimilar properties. This amino acid position is not well conserved in available vertebrate species. In addition, in silico predictors for this gene do not accurately predict pathogenicity. Since supporting evidence is limited at this time, the clinical significance of this alteration remains unclear.

Labcorp Genetics (formerly Invitae), Labcorp
Classification: Uncertain significance for Familial adenomatous polyposis 1. Last evaluated: 2023-12-26. Review status: criteria provided, single submitter. Criteria: Invitae Variant Classification Sherloc (09022015). Collection method: clinical testing. Allele origin: germline.
Comment: This sequence change replaces serine, which is neutral and polar, with arginine, which is basic and polar, at codon 833 of the APC protein (p.Ser833Arg). This variant is present in population databases (no rsID available, gnomAD 0.01%). This variant has not been reported in the literature in individuals affected with APC-related conditions. ClinVar contains an entry for this variant (Variation ID: 537489). Advanced modeling of protein sequence and biophysical properties (such as structural, functional, and spatial information, amino acid conservation, physicochemical variation, residue mobility, and thermodynamic stability) performed at Invitae indicates that this missense variant is not expected to disrupt APC protein function with a negative predictive value of 95%. In summary, the available evidence is currently insufficient to determine the role of this variant in disease. Therefore, it has been classified as a Variant of Uncertain Significance.

GeneDx
Classification: Uncertain significance. Last evaluated: 2023-07-03. Review status: criteria provided, single submitter. Criteria: GeneDx Variant Classification Process June 2021. Collection method: clinical testing. Allele origin: germline.
Comment: Not observed at significant frequency in large population cohorts (gnomAD); In silico analysis supports that this missense variant does not alter protein structure/function; Has not been previously published as pathogenic or benign to our knowledge

Color Diagnostics, LLC DBA Color Health
Classification: Uncertain significance for Hereditary cancer-predisposing syndrome. Last evaluated: 2021-06-22. Review status: criteria provided, single submitter. Criteria: ACMG Guidelines, 2015. Collection method: clinical testing. Allele origin: germline.
Comment: This missense variant replaces serine with arginine at codon 833 of the APC protein. Computational prediction tool suggests that this variant may not impact protein structure and function (internally defined REVEL score threshold ≤0.5, PMID: 27666373). Splice site prediction tools suggest that this variant may not impact RNA splicing. To our knowledge, functional studies have not been performed for this variant. This variant has not been reported in individuals affected with hereditary cancer in the literature. This variant has been identified in 1/31404 chromosomes in the general population by the Genome Aggregation Database (gnomAD). The available evidence is insufficient to determine the role of this variant in disease conclusively. Therefore, this variant is classified as a Variant of Uncertain Significance.

Cancer Variant Interpretation Group UK, Institute of Cancer Research, London
Classification: Uncertain significance for Familial adenomatous polyposis 1. Last evaluated: 2020-02-13. Review status: criteria provided, single submitter. Criteria: ACMG Guidelines, 2015. Collection method: clinical testing. Allele origin: germline. Affected: yes. Observed: 1 variant allele.
Comment: Data included in classification: Missense variant in a gene for which primarily truncating variants are known to cause disease. The variant was observed 0/7,716 GNOMAD NFE controls and 1/7,986 individuals in the remainder of the GNOMAD population. Classified as VUS by Invitae (Jan 2018).